The following is an entry in ClinVar:

NM_000038.6(APC):c.5674G>C (p.Ala1892Pro)

Gene: APC (APC regulator of Wnt signaling pathway; plus strand). Cytogenetic location: 5q22.2.
Variant type: single nucleotide variant.
Coding change: c.5674G>C on transcript NM_000038.6 (MANE Select); coding-DNA position 5674, G replaced by C.
Protein change: p.Ala1892Pro; replaces alanine 1892 with proline.
Molecular consequence: missense variant.
Genome position (GRCh38, 1-based): chr5:112,841,268, G>C. VCF-style: chr5-112841268-G-C. GRCh37 (hg19) VCF-style: chr5-112176965-G-C.
Other names: c.5674G>C, p.Ala1892Pro (NM_001127510.3, NM_001354895.2); c.5620G>C, p.Ala1874Pro (NM_001127511.3); c.5728G>C, p.Ala1910Pro (NM_001354896.2); c.5704G>C, p.Ala1902Pro (NM_001354897.2); c.5599G>C, p.Ala1867Pro (NM_001354898.2); c.5590G>C, p.Ala1864Pro (NM_001354899.2); c.5551G>C, p.Ala1851Pro (NM_001354900.2); c.5497G>C, p.Ala1833Pro (NM_001354901.2); and 5 more; short protein forms A1609P, A1867P, A1902P, A1732P, A1766P, A1874P, A1833P, A1851P.
Identifiers: ClinVar variation 825887 (VCV000825887.4), dbSNP rs868519642, ClinGen allele CA16033757.

ClinVar aggregate classification (germline): Uncertain significance (1 of 4 stars; one submission).

Conditions:
Hereditary cancer-predisposing syndrome. Also called: Neoplastic Syndromes, Hereditary; Tumor predisposition; Hereditary neoplastic syndrome; Hereditary Cancer Syndrome. Identifiers: Orphanet 140162, MedGen C0027672, MeSH D009386, MONDO:0015356.

Submission:

Ambry Genetics
Classification: Uncertain significance for Hereditary cancer-predisposing syndrome. Last evaluated: 2019-11-27. Review status: criteria provided, single submitter. Criteria: Ambry Variant Classification Scheme 2023. Collection method: clinical testing. Allele origin: germline.
Comment: The p.A1892P variant (also known as c.5674G>C), located in coding exon 15 of the APC gene, results from a G to C substitution at nucleotide position 5674. The alanine at codon 1892 is replaced by proline, an amino acid with highly similar properties. This amino acid position is not well conserved in available vertebrate species. In addition, in silico predictors for this gene do not accurately predict pathogenicity. Since supporting evidence is limited at this time, the clinical significance of this alteration remains unclear.